The following is an entry in ClinVar:

NM_207122.2(EXT2):c.377T>G (p.Ile126Ser)

Gene: EXT2 (exostosin glycosyltransferase 2; plus strand). Cytogenetic location: 11p11.2.
Variant type: single nucleotide variant.
Coding change: c.377T>G on transcript NM_207122.2 (MANE Select); coding-DNA position 377, T replaced by G.
Protein change: p.Ile126Ser; replaces isoleucine 126 with serine.
Molecular consequence: missense variant.
Genome position (GRCh38, 1-based): chr11:44,108,089, T>G. VCF-style: chr11-44108089-T-G. GRCh37 (hg19) VCF-style: chr11-44129639-T-G.
Other names: c.476T>G, p.Ile159Ser (NM_000401.3); c.377T>G, p.Ile126Ser (NM_001178083.3, NM_001389628.1, NM_001389630.1); short protein forms I159S, I126S.
Identifiers: ClinVar variation 1492962 (VCV001492962.6), dbSNP rs2134967559, ClinGen allele CA380180221.

ClinVar aggregate classification (germline): Uncertain significance (1 of 4 stars; one submission).

Conditions:
Exostoses, multiple, type 2 (EXT2). Also called: Hereditary Multiple Osteochondromatosis, Type II; EXOSTOSES, MULTIPLE, TYPE II. Identifiers: Orphanet 321, MedGen C1851413, MONDO:0007586, OMIM 133701.

Submission:

Labcorp Genetics (formerly Invitae), Labcorp
Classification: Uncertain significance for Exostoses, multiple, type 2. Last evaluated: 2021-12-25. Review status: criteria provided, single submitter. Criteria: Invitae Variant Classification Sherloc (09022015). Collection method: clinical testing. Allele origin: germline.
Comment: This sequence change replaces isoleucine, which is neutral and non-polar, with serine, which is neutral and polar, at codon 126 of the EXT2 protein (p.Ile126Ser). This variant is not present in population databases (gnomAD no frequency). This variant has not been reported in the literature in individuals affected with EXT2-related conditions. Algorithms developed to predict the effect of missense changes on protein structure and function are either unavailable or do not agree on the potential impact of this missense change (SIFT: "Deleterious"; PolyPhen-2: "Benign"; Align-GVGD: "Class C0"). In summary, the available evidence is currently insufficient to determine the role of this variant in disease. Therefore, it has been classified as a Variant of Uncertain Significance.